The following is an entry in ClinVar:

NM_001244710.2(GFPT1):c.1354C>T (p.Arg452Cys)

Gene: GFPT1 (glutamine--fructose-6-phosphate transaminase 1; minus strand). Cytogenetic location: 2p13.3.
Variant type: single nucleotide variant.
Coding change: c.1354C>T on transcript NM_001244710.2 (MANE Select); coding-DNA position 1354, C replaced by T.
Protein change: p.Arg452Cys; replaces arginine 452 with cysteine.
Molecular consequence: missense variant.
Genome position (GRCh38, 1-based): chr2:69,338,026, G>A on the plus strand (C>T on the coding strand, the complement: GFPT1 is on the minus strand). VCF-style: chr2-69338026-G-A. GRCh37 (hg19) VCF-style: chr2-69565158-G-A.
Other names: c.1300C>T (NM_002056.3); c.1300C>T, p.Arg434Cys (NM_002056.4); short protein forms R452C, R434C.
Identifiers: ClinVar variation 1518174 (VCV001518174.9), dbSNP rs759081713, ClinGen allele CA1693648.
Genomic context (GRCh38, chr2:69,338,026, plus strand): 5'-TGGAACTGCCAACTGTGTTTGTGATCCCCACAGTTAAAGCTCCTCTCTCCTTACAGTAAC[G>A]AAGACCCATCAAAGTATCTGCTGTCTCACCTGTGTAAAAAGTAGGCCAACCATAACACAC-3'
Protein context (NP_001231639.1, residues 442-462): GETADTLMGL[Arg452Cys]YCKERGALTV

ClinVar aggregate classification (germline): Uncertain significance. Review status: criteria provided, multiple submitters, no conflicts (2 of 4 stars). 2 submissions from 2 submitters: Uncertain significance (2). Last evaluated 2025-10-02.

Conditions:
Inborn genetic diseases. Identifiers: MedGen C0950123, MeSH D030342.
Congenital myasthenic syndrome 12 (CMS12). Also called: MYASTHENIC SYNDROME, CONGENITAL, WITH TUBULAR AGGREGATES 1; Myasthenia, congenital, 12, with tubular aggregates. Identifiers: Orphanet 353327, Orphanet 590, MedGen C3552335, MONDO:0012518, OMIM 610542.

Allele frequency attached by ClinVar (database versions not stated): gnomAD exomes below 0.00001 and 0.00001; TOPMed below 0.00001; ExAC 0.00001.
gnomAD v4.1: 3 of 1,614,014 alleles (0.00019%); highest among the groups gnomAD compares: African/African-American, 0.0013%; no homozygotes.

Submissions (2):

Ambry Genetics
Classification: Uncertain significance for Inborn genetic diseases. Last evaluated: 2025-10-02. Review status: criteria provided, single submitter. Criteria: Ambry Variant Classification Scheme 2023. Collection method: clinical testing. Allele origin: germline.

Labcorp Genetics (formerly Invitae), Labcorp
Classification: Uncertain significance for Congenital myasthenic syndrome 12. Last evaluated: 2022-03-18. Review status: criteria provided, single submitter. Criteria: Invitae Variant Classification Sherloc (09022015). Collection method: clinical testing. Allele origin: germline.
Comment: This sequence change replaces arginine, which is basic and polar, with cysteine, which is neutral and slightly polar, at codon 452 of the GFPT1 protein (p.Arg452Cys). This variant is present in population databases (rs759081713, gnomAD 0.007%). This variant has not been reported in the literature in individuals affected with GFPT1-related conditions. Algorithms developed to predict the effect of missense changes on protein structure and function are either unavailable or do not agree on the potential impact of this missense change (SIFT: "Deleterious"; PolyPhen-2: "Probably Damaging"; Align-GVGD: "Class C0"). In summary, the available evidence is currently insufficient to determine the role of this variant in disease. Therefore, it has been classified as a Variant of Uncertain Significance.